The following is an entry in ClinVar:

ClinVar aggregate classification (germline): Benign/Likely benign. Review status: criteria provided, multiple submitters, no conflicts (2 of 4 stars). 2 submissions from 2 submitters: Benign (1); Likely benign (1). Last evaluated 2026-06-01.

Conditions:
Wilms tumor 1 (WT1). Also called: Wilms tumor, somatic. Identifiers: Orphanet 654, MedGen CN033288, MONDO:0008679, OMIM 194070.

Allele frequency attached by ClinVar (database versions not stated): TOPMed below 0.00001; gnomAD 0.00001; gnomAD exomes 0.00001 and 0.00002; ExAC 0.00002.
gnomAD v4.1: 11 of 1,209,584 alleles (0.00091%); highest among the groups gnomAD compares: Admixed American, 0.0087%; no homozygotes.

Submissions (2):

CeGaT Center for Human Genetics Tuebingen
Classification: Likely benign. Last evaluated: 2026-06-01. Review status: criteria provided, single submitter. Criteria: CeGaT Center For Human Genetics Tuebingen Variant Classification Criteria Version 2. Collection method: clinical testing. Allele origin: germline. Affected: yes. Observed: 1 variant allele.
Comment: GPC3: BP4, BS2

Labcorp Genetics (formerly Invitae), Labcorp
Classification: Benign for Wilms tumor 1. Last evaluated: 2024-04-05. Review status: criteria provided, single submitter. Criteria: Invitae Variant Classification Sherloc (09022015). Collection method: clinical testing. Allele origin: germline.

NM_004484.4(GPC3):c.584A>G (p.Asn195Ser)

Gene: GPC3 (glypican 3; minus strand). Cytogenetic location: Xq26.2.
Variant type: single nucleotide variant.
Coding change: c.584A>G on transcript NM_004484.4 (MANE Select); coding-DNA position 584, A replaced by G.
Protein change: p.Asn195Ser; replaces asparagine 195 with serine.
Molecular consequence: missense variant.
Genome position (GRCh38, 1-based): chrX:133,753,930, T>C on the plus strand (A>G on the coding strand, the complement: GPC3 is on the minus strand). VCF-style: chrX-133753930-T-C. GRCh37 (hg19) VCF-style: chrX-132887957-T-C.
Other names: c.584A>G, p.Asn195Ser (NM_001164617.2); c.536A>G, p.Asn179Ser (NM_001164618.2); c.422A>G, p.Asn141Ser (NM_001164619.2); short protein forms N195S, N141S, N179S.
Identifiers: ClinVar variation 476659 (VCV000476659.14), dbSNP rs745317547, ClinGen allele CA10520819.